The following is an entry in ClinVar:

ClinVar aggregate classification (germline): Benign. Review status: criteria provided, multiple submitters, no conflicts (2 of 4 stars). 3 submissions from 2 submitters: Benign (3). Last evaluated 2018-01-13.

Conditions:
Familial hyperthyroidism due to mutations in TSH receptor. Also called: HYPERTHYROIDISM, CONGENITAL NONAUTOIMMUNE; HYPERTHYROIDISM, NONAUTOIMMUNE, AUTOSOMAL DOMINANT; TOXIC THYROID HYPERPLASIA, AUTOSOMAL DOMINANT. Identifiers: Orphanet 424, MedGen C1836706, MONDO:0012203, OMIM 609152.
Hypothyroidism due to TSH receptor mutations. Also called: Hypothyroidism, congenital, nongoitrous, 1; HYPOTHYROIDISM DUE TO UNRESPONSIVENESS TO THYROTROPIN; HYPOTHYROIDISM, CONGENITAL, DUE TO TSH RESISTANCE; HYPOTHYROIDISM, NONAUTOIMMUNE; THYROID-STIMULATING HORMONE, RESISTANCE TO; TSH RESISTANCE. Identifiers: Orphanet 90673, MedGen C3493776, MONDO:0010142, OMIM 275200.

Allele frequency attached by ClinVar (database versions not stated): 1000 Genomes Project 30x 0.29294; 1000 Genomes Project 0.29313; gnomAD 0.38807 and 0.39107; TOPMed 0.39150; gnomAD exomes 0.42852.
gnomAD v4.1: 93,748 of 232,644 alleles (40%); highest among the groups gnomAD compares: Non-Finnish European, 49%; 20,819 homozygotes.

Submissions (6):

Illumina Laboratory Services, Illumina
Classification: Benign for Hypothyroidism due to TSH receptor mutations. Last evaluated: 2018-01-13. Review status: criteria provided, single submitter. Criteria: ICSL Variant Classification Criteria 13 December 2019. Collection method: clinical testing. Allele origin: germline.
Comment: This variant was observed in the ICSL laboratory as part of a predisposition screen in an ostensibly healthy population. It had not been previously curated by ICSL or reported in the Human Gene Mutation Database (HGMD: prior to June 1st, 2018), and was therefore a candidate for classification through an automated scoring system. Utilizing variant allele frequency, disease prevalence and penetrance estimates, and inheritance mode, an automated score was calculated to assess if this variant is too frequent to cause the disease. Based on the score and internal cut-off values, a variant classified as benign is not then subjected to further curation. The score for this variant resulted in a classification of benign for this disease.

Illumina Laboratory Services, Illumina
Classification: Benign for Familial hyperthyroidism due to mutations in TSH receptor. Last evaluated: 2018-01-13. Review status: criteria provided, single submitter. Criteria: ICSL Variant Classification Criteria 13 December 2019. Collection method: clinical testing. Allele origin: germline.
Comment: the same text as in the submission from Illumina Laboratory Services, Illumina above.

Breakthrough Genomics
Classification: Benign. Review status: criteria provided, single submitter. Criteria: ACMG Guidelines, 2015. Collection method: not provided. Allele origin: germline. Inheritance: Autosomal recessive inheritance. Affected: yes.

Dr. Peter K. Rogan Lab, Western University
No classification provided (evidence only). Condition: Uterine corpus endometrial carcinoma. Review status: no classification provided. Collection method: in vitro. Allele origin: not applicable. Functional consequence: retained intron. Not counted in ClinVar's aggregate classification.

Dr. Peter K. Rogan Lab, Western University
No classification provided (evidence only). Condition: Cervical cancer. Review status: no classification provided. Collection method: in vitro. Allele origin: not applicable. Functional consequence: retained intron. Not counted in ClinVar's aggregate classification.

Dr. Peter K. Rogan Lab, Western University
No classification provided (evidence only). Condition: Uterine carcinosarcoma. Review status: no classification provided. Collection method: in vitro. Allele origin: not applicable. Functional consequence: retained intron. Not counted in ClinVar's aggregate classification.

NM_000369.5(TSHR):c.*1222G>C

Genes: TSHR (thyroid stimulating hormone receptor; plus strand), TSHR-AS1 (TSHR antisense RNA 1; minus strand). Cytogenetic location: 14q31.1.
Variant type: single nucleotide variant.
Coding change: c.*1222G>C on transcript NM_000369.5 (MANE Select); 1222 bases downstream of the stop codon, G replaced by C.
Molecular consequence: 3 prime UTR variant.
Genome position (GRCh38, 1-based): chr14:81,145,575, G>C. VCF-style: chr14-81145575-G-C. GRCh37 (hg19) VCF-style: chr14-81611919-G-C.
Other names: NC_000014.8:g.81611919G>C.
Identifiers: ClinVar variation 314716 (VCV000314716.7), dbSNP rs2288495, ClinGen allele CA10641187.